The following is an entry in ClinVar:

NM_005751.5(AKAP9):c.3145A>C (p.Met1049Leu)

Gene: AKAP9 (A-kinase anchoring protein 9; plus strand). Cytogenetic location: 7q21.2.
Variant type: single nucleotide variant.
Coding change: c.3145A>C on transcript NM_005751.5 (MANE Select); coding-DNA position 3145, A replaced by C.
Protein change: p.Met1049Leu; replaces methionine 1049 with leucine.
Molecular consequence: missense variant.
Genome position (GRCh38, 1-based): chr7:92,003,062, A>C. VCF-style: chr7-92003062-A-C. GRCh37 (hg19) VCF-style: chr7-91632376-A-C.
Other names: c.3145A>C, p.Met1049Leu (NM_147185.3); short protein forms M1049L.
Identifiers: ClinVar variation 1728122 (VCV001728122.2), dbSNP rs1196612780, ClinGen allele CA368126237.

ClinVar aggregate classification (germline): Uncertain significance (1 of 4 stars; one submission).

Conditions:
Cardiovascular phenotype. Identifiers: MedGen CN230736.

Allele frequency attached by ClinVar (database versions not stated): gnomAD exomes below 0.00001; gnomAD 0.00001.

Submission:

Ambry Genetics
Classification: Uncertain significance for Cardiovascular phenotype. Last evaluated: 2021-12-13. Review status: criteria provided, single submitter. Criteria: Ambry Variant Classification Scheme 2023. Collection method: clinical testing. Allele origin: germline.
Comment: The p.M1049L variant (also known as c.3145A>C), located in coding exon 8 of the AKAP9 gene, results from an A to C substitution at nucleotide position 3145. The methionine at codon 1049 is replaced by leucine, an amino acid with highly similar properties. This amino acid position is conserved. In addition, this alteration is predicted to be tolerated by in silico analysis. Since supporting evidence is limited at this time, the clinical significance of this alteration remains unclear.